The following is an entry in ClinVar:

ClinVar aggregate classification (germline): Likely benign (1 of 4 stars; one submission).

Allele frequency attached by ClinVar (database versions not stated): gnomAD exomes 0.00010; ExAC 0.00046; 1000 Genomes Project 0.00053; 1000 Genomes Project 30x 0.00062; ESP Exome Variant Server 0.00076; gnomAD 0.00092; TOPMed 0.00104.
gnomAD v4.1: 221 of 1,196,235 alleles (0.018%); highest among the groups gnomAD compares: African/African-American, 0.32%; no homozygotes.

Submission:

CeGaT Center for Human Genetics Tuebingen
Classification: Likely benign. Last evaluated: 2022-04-01. Review status: criteria provided, single submitter. Criteria: CeGaT Center For Human Genetics Tuebingen Variant Classification Criteria Version 2. Collection method: clinical testing. Allele origin: germline. Affected: yes. Observed: 1 variant allele.
Comment: TSPAN6: BP4, BP7

NM_003270.4(TSPAN6):c.300T>C (p.Val100=)

Gene: TSPAN6 (tetraspanin 6; minus strand). Cytogenetic location: Xq22.1.
Variant type: single nucleotide variant.
Coding change: c.300T>C on transcript NM_003270.4 (MANE Select); coding-DNA position 300, T replaced by C.
Protein change: p.Val100=; no amino-acid change (valine 100 retained).
Molecular consequence: synonymous variant.
Genome position (GRCh38, 1-based): chrX:100,635,229, A>G on the plus strand (T>C on the coding strand, the complement: TSPAN6 is on the minus strand). VCF-style: chrX-100635229-A-G. GRCh37 (hg19) VCF-style: chrX-99890226-A-G.
Other names: c.36T>C, p.Val12= (NM_001278740.2, NM_001278741.1, NM_001278742.1 and 1 more transcripts).
Identifiers: ClinVar variation 2661034 (VCV002661034.24), dbSNP rs141301339, ClinGen allele CA10469318.
Genomic context (GRCh38, chrX:100,635,229, plus strand): 5'-CAGGCTTACCTCATGTCTGAAAACAAATCCTACGATGGCAGCGACCAGTTCGACCAAAAA[A>G]ACGAGAGTCAGAAACATTGCATACTGCAGGATAAGAAAGAAAGTCCAAGTCAGCATAAAT-3'
Protein context (NP_003261.1, residues 90-110): LKLYAMFLTL[Val100=]FLVELVAAIV